The following is an entry in ClinVar:

ClinVar aggregate classification (germline): Uncertain significance (1 of 4 stars; one submission).

Conditions:
Inborn genetic diseases. Identifiers: MedGen C0950123, MeSH D030342.

Allele frequency attached by ClinVar (database versions not stated): gnomAD exomes 0.00001; TOPMed 0.00001.
gnomAD v4.1: 12 of 1,614,154 alleles (0.00074%); highest among the groups gnomAD compares: Non-Finnish European, 0.001%; no homozygotes.

Submission:

Ambry Genetics
Classification: Uncertain significance for Inborn genetic diseases. Last evaluated: 2021-10-04. Review status: criteria provided, single submitter. Criteria: Ambry Variant Classification Scheme 2023. Collection method: clinical testing. Allele origin: germline.
Comment: The p.V29A variant (also known as c.86T>C), located in coding exon 2 of the MDH2 gene, results from a T to C substitution at nucleotide position 86. The valine at codon 29 is replaced by alanine, an amino acid with similar properties. This amino acid position is conserved. In addition, the in silico prediction for this alteration is inconclusive. Since supporting evidence is limited at this time, the clinical significance of this alteration remains unclear.

NM_005918.4(MDH2):c.86T>C (p.Val29Ala)

Gene: MDH2 (malate dehydrogenase 2; plus strand). Cytogenetic location: 7q11.23.
Variant type: single nucleotide variant.
Coding change: c.86T>C on transcript NM_005918.4 (MANE Select); coding-DNA position 86, T replaced by C.
Protein change: p.Val29Ala; replaces valine 29 with alanine.
Molecular consequence: missense variant. On other transcripts: intron variant (1).
Genome position (GRCh38, 1-based): chr7:76,054,849, T>C. VCF-style: chr7-76054849-T-C. GRCh37 (hg19) VCF-style: chr7-75684167-T-C.
Other names: c.86T>C, p.Val29Ala (NM_001282403.2); c.-86-2561T>C (NM_001282404.2); short protein forms V29A.
Identifiers: ClinVar variation 1764367 (VCV001764367.2), dbSNP rs1554585954, ClinGen allele CA367762103.
Genomic context (GRCh38, chr7:76,054,849, plus strand): 5'-TCATTTCCTCCTAAGAGTCCTTTCTCTGTGCCTCTTTTTAGAACAATGCTAAAGTAGCTG[T>C]GCTAGGGGCCTCTGGAGGCATCGGGCAGCCACTTTCACTTCTCCTGAAGAACAGCCCCTT-3'
Protein context (NP_005909.2, residues 19-39): TSAQNNAKVA[Val29Ala]LGASGGIGQP